The following is an entry in ClinVar:

NM_177438.3(DICER1):c.5684G>A (p.Arg1895Gln)

Gene: DICER1 (dicer 1, ribonuclease III; minus strand). Cytogenetic location: 14q32.13.
Variant type: single nucleotide variant.
Coding change: c.5684G>A on transcript NM_177438.3 (MANE Select); coding-DNA position 5684, G replaced by A.
Protein change: p.Arg1895Gln; replaces arginine 1895 with glutamine.
Molecular consequence: missense variant. On other transcripts: 3 prime UTR variant (1).
Genome position (GRCh38, 1-based): chr14:95,090,583, C>T on the plus strand (G>A on the coding strand, the complement: DICER1 is on the minus strand). VCF-style: chr14-95090583-C-T. GRCh37 (hg19) VCF-style: chr14-95556920-C-T.
Other names: c.*31G>A (NM_001195573.1); c.5684G>A, p.Arg1895Gln (NM_001271282.3, NM_001291628.2, NM_030621.4); short protein forms R1895Q.
Identifiers: ClinVar variation 935531 (VCV000935531.11), dbSNP rs1889703495, ClinGen allele CA390863261.

ClinVar aggregate classification (germline): Uncertain significance. Review status: criteria provided, multiple submitters, no conflicts (2 of 4 stars). 2 submissions from 2 submitters: Uncertain significance (2). Last evaluated 2026-01-27.

Conditions:
Hereditary cancer-predisposing syndrome. Also called: Tumor predisposition; Hereditary neoplastic syndrome; Neoplastic Syndromes, Hereditary; Hereditary Cancer Syndrome. Identifiers: Orphanet 140162, MedGen C0027672, MeSH D009386, MONDO:0015356.
DICER1-related tumor predisposition. Also called: DICER1 syndrome; DICER1-related pleuropulmonary blastoma cancer predisposition syndrome. Identifiers: Orphanet 284343, MedGen C3839822, MONDO:0100216.

Allele frequency attached by ClinVar (database versions not stated): gnomAD exomes below 0.00001.
gnomAD v4.1: 2 of 1,614,184 alleles (0.00012%); highest among the groups gnomAD compares: Non-Finnish European, 0.000085%; no homozygotes.

Submissions (2):

Labcorp Genetics (formerly Invitae), Labcorp
Classification: Uncertain significance for DICER1-related tumor predisposition. Last evaluated: 2026-01-27. Review status: criteria provided, single submitter. Criteria: Invitae Variant Classification Sherloc (09022015). Collection method: clinical testing. Allele origin: germline.
Comment: This sequence change replaces arginine, which is basic and polar, with glutamine, which is neutral and polar, at codon 1895 of the DICER1 protein (p.Arg1895Gln). This variant is not present in population databases (gnomAD no frequency). This variant has not been reported in the literature in individuals affected with DICER1-related conditions. ClinVar contains an entry for this variant (Variation ID: 935531). Invitae Evidence Modeling of protein sequence and biophysical properties (such as structural, functional, and spatial information, amino acid conservation, physicochemical variation, residue mobility, and thermodynamic stability) indicates that this missense variant is not expected to disrupt DICER1 protein function with a negative predictive value of 95%. Algorithms developed to predict the effect of sequence changes on RNA splicing suggest that this variant may disrupt the consensus splice site. In summary, the available evidence is currently insufficient to determine the role of this variant in disease. Therefore, it has been classified as a Variant of Uncertain Significance.

Ambry Genetics
Classification: Uncertain significance for Hereditary cancer-predisposing syndrome. Last evaluated: 2025-10-30. Review status: criteria provided, single submitter. Criteria: Ambry Variant Classification Scheme 2023. Collection method: clinical testing. Allele origin: germline.
Comment: The p.R1895Q variant (also known as c.5684G>A), located in coding exon 26 of the DICER1 gene, results from a G to A substitution at nucleotide position 5684. The arginine at codon 1895 is replaced by glutamine, an amino acid with highly similar properties. This amino acid position is highly conserved in available vertebrate species. In addition, the in silico prediction for this alteration is inconclusive. Based on the available evidence, the clinical significance of this variant remains unclear.